The following is an entry in ClinVar:

ClinVar aggregate classification (germline): Uncertain significance (1 of 4 stars; one submission).

Conditions:
Inborn genetic diseases. Identifiers: MedGen C0950123, MeSH D030342.

Submission:

Ambry Genetics
Classification: Uncertain significance for Inborn genetic diseases. Last evaluated: 2025-02-07. Review status: criteria provided, single submitter. Criteria: Ambry Variant Classification Scheme 2023. Collection method: clinical testing. Allele origin: germline.
Comment: The p.W184C variant (also known as c.552G>C), located in coding exon 5 of the G6PC3 gene, results from a G to C substitution at nucleotide position 552. The tryptophan at codon 184 is replaced by cysteine, an amino acid with highly dissimilar properties. This amino acid position is conserved. In addition, this alteration is predicted to be deleterious by in silico analysis. Based on the available evidence, the clinical significance of this variant remains unclear.

NM_138387.4(G6PC3):c.552G>C (p.Trp184Cys)

Gene: G6PC3 (glucose-6-phosphatase catalytic subunit 3; plus strand). Cytogenetic location: 17q21.31.
Variant type: single nucleotide variant.
Coding change: c.552G>C on transcript NM_138387.4 (MANE Select); coding-DNA position 552, G replaced by C.
Protein change: p.Trp184Cys; replaces tryptophan 184 with cysteine.
Molecular consequence: missense variant.
Genome position (GRCh38, 1-based): chr17:44,075,326, G>C. VCF-style: chr17-44075326-G-C. GRCh37 (hg19) VCF-style: chr17-42152694-G-C.
Other names: c.433G>C, p.Ala145Pro (NM_001319945.2); c.207G>C, p.Trp69Cys (NM_001384165.1, NM_001384166.1, NM_001384167.1 and 1 more transcripts); short protein forms W184C, W69C, A145P.
Identifiers: ClinVar variation 3852364 (VCV003852364.1).